The following is an entry in ClinVar:

ClinVar aggregate classification (germline): Conflicting classifications of pathogenicity. Review status: criteria provided, conflicting classifications (1 of 4 stars). 7 submissions from 7 submitters: Likely pathogenic (1); Uncertain significance (6). Last evaluated 2026-09-30.

Conditions:
Hypertrophic cardiomyopathy. Also called: HYPERTROPHIC MYOCARDIOPATHY. Identifiers: Orphanet 217569, MedGen C0007194, MeSH D002312, MONDO:0005045, HP:0001639.
Cardiovascular phenotype. Identifiers: MedGen CN230736.
Cardiomyopathy (CMYO). Also called: Cardiomyopathies. Identifiers: Orphanet 167848, MedGen C0878544, MONDO:0004994, HP:0001638. Inheritance: Various modes of inheritance.
SUDDEN INFANT DEATH SYNDROME (SIDS). Also called: Sudden Infant Death. Identifiers: MedGen C0038644, MeSH D013398, OMIM 272120.

Allele frequency attached by ClinVar (database versions not stated): TOPMed 0.00002; gnomAD 0.00004 and 0.00003; gnomAD exomes 0.00001; ExAC 0.00001.
gnomAD v4.1: 17 of 1,613,830 alleles (0.0011%); highest among the groups gnomAD compares: Admixed American, 0.005%; no homozygotes.

Submissions (7):

GeneDx
Classification: Likely pathogenic. Last evaluated: 2026-09-30. Review status: criteria provided, single submitter. Criteria: GeneDx Variant Classification Process June 2021. Collection method: clinical testing. Allele origin: germline.
Comment: Reported in an infant with sudden death in published literature (PMID: 35027292); In silico analysis supports that this missense variant has a deleterious effect on protein structure/function; Not observed at significant frequency in large population cohorts (gnomAD); This variant is associated with the following publications: (PMID: 35027292)

Color Diagnostics, LLC DBA Color Health
Classification: Uncertain significance for Cardiomyopathy. Last evaluated: 2025-06-10. Review status: criteria provided, single submitter. Criteria: ACMG Guidelines, 2015. Collection method: clinical testing. Allele origin: germline.
Comment: This missense variant replaces arginine with tryptophan at codon 186 of the TNNI3 protein. Computational prediction is inconclusive regarding the impact of this variant on protein structure and function. To our knowledge, functional studies have not been reported for this variant. This variant has been reported in an individual affected with sudden unexplained death (PMID: 35027292). This variant has been identified in 4/280838 chromosomes in the general population by the Genome Aggregation Database (gnomAD). A different variant affecting the same codon, p.Arg186Gln, is considered to be disease-causing (ClinVar variation ID: 43395), suggesting that arginine at this position is important for TNNI3 protein function. The available evidence is insufficient to determine the role of this variant in disease conclusively. Therefore, this variant is classified as a Variant of Uncertain Significance.

Ambry Genetics
Classification: Uncertain significance for Cardiovascular phenotype. Last evaluated: 2024-12-16. Review status: criteria provided, single submitter. Criteria: Ambry Variant Classification Scheme 2023. Collection method: clinical testing. Allele origin: germline.
Comment: The p.R186W variant (also known as c.556C>T), located in coding exon 8 of the TNNI3 gene, results from a C to T substitution at nucleotide position 556. The arginine at codon 186 is replaced by tryptophan, an amino acid with dissimilar properties. This variant has been detected in a sudden death case and in a cardiomyopathy control cohort; however, details were limited (Mazzarotto F et al. Circulation, 2020 Feb;141:387-398; Koh HY et al. Genet Med, 2022 Apr;24:839-850). Another alteration at the same codon, p.R186Q (c.557G>A), has been reported in association with hypertrophic cardiomyopathy (Richard P, Circulation 2003 May; 107(17):2227-32; Mogensen J, J. Am. Coll. Cardiol. 2004 Dec; 44(12):2315-25). This amino acid position is highly conserved in available vertebrate species. In addition, the in silico prediction for this alteration is inconclusive. Since supporting evidence is limited at this time, the clinical significance of this alteration remains unclear.

All of Us Research Program, National Institutes of Health
Classification: Uncertain significance for Hypertrophic cardiomyopathy. Last evaluated: 2024-09-23. Review status: criteria provided, single submitter. Criteria: ACMG Guidelines, 2015. Collection method: clinical testing. Allele origin: germline. Inheritance: Autosomal dominant inheritance. Observed: 4 variant alleles, 4 heterozygotes.
Comment: This missense variant replaces arginine with tryptophan at codon 186 of the TNNI3 protein. Computational prediction is inconclusive regarding the impact of this variant on protein structure and function (internally defined REVEL score threshold 0.5 < inconclusive < 0.7, PMID: 27666373). To our knowledge, functional studies have not been reported for this variant. This variant has been reported in an individual affected with sudden unexplained death (PMID: 35027292). This variant has been identified in 4/280838 chromosomes in the general population by the Genome Aggregation Database (gnomAD). A different variant affecting the same codon, p.Arg186Gln, is considered to be disease-causing (ClinVar variation ID: 43395), suggesting that arginine at this position is important for TNNI3 protein function. The available evidence is insufficient to determine the role of this variant in disease conclusively. Therefore, this variant is classified as a Variant of Uncertain Significance.

This study involves interpretation of variants in research participants for the purpose of population health screening. Participant phenotype was not available at the time of variant classification. Additional details can be found in publication PMID: 35346344, PMCID: PMC8962531

Labcorp Genetics (formerly Invitae), Labcorp
Classification: Uncertain significance for Hypertrophic cardiomyopathy. Last evaluated: 2023-07-13. Review status: criteria provided, single submitter. Criteria: Invitae Variant Classification Sherloc (09022015). Collection method: clinical testing. Allele origin: germline.
Comment: This sequence change replaces arginine, which is basic and polar, with tryptophan, which is neutral and slightly polar, at codon 186 of the TNNI3 protein (p.Arg186Trp). This variant is present in population databases (rs760978512, gnomAD 0.01%). This missense change has been observed in individual(s) with sudden unexpected death (PMID: 35027292). ClinVar contains an entry for this variant (Variation ID: 546467). An algorithm developed to predict the effect of missense changes on protein structure and function (PolyPhen-2) suggests that this variant is likely to be disruptive. This variant disrupts the p.Arg186 amino acid residue in TNNI3. Other variant(s) that disrupt this residue have been determined to be pathogenic (PMID: 12707239, 21310275, 22301726, 26169204, 27532257). This suggests that this residue is clinically significant, and that variants that disrupt this residue are likely to be disease-causing. In summary, the available evidence is currently insufficient to determine the role of this variant in disease. Therefore, it has been classified as a Variant of Uncertain Significance.

Blueprint Genetics
Classification: Uncertain significance. Last evaluated: 2022-12-23. Review status: criteria provided, single submitter. Criteria: ACMG Guidelines, 2015. Collection method: clinical testing. Allele origin: germline.

Robert's Program, Boston Children's Hospital
Classification: Uncertain significance for SUDDEN INFANT DEATH SYNDROME. Last evaluated: 2021-10-01. Review status: criteria provided, single submitter. Criteria: ACMG Guidelines, 2015. Collection method: research. Allele origin: germline. Affected: yes.
Comment: We classify this variant as a variant of uncertain significance using ACMG/AMP criteria. As this locus has another substitution affecting the same amino acid that has been reported as pathogenic, we suspect this variant is favoring pathogenic.

Literature cited by the submitters: PubMed 35027292 (cited by 4 submitters); PubMed 31983221 (cited by Ambry Genetics); PubMed 12707239 (cited by Labcorp Genetics (formerly Invitae), Labcorp); PubMed 21310275 (cited by Labcorp Genetics (formerly Invitae), Labcorp); PubMed 22301726 (cited by Labcorp Genetics (formerly Invitae), Labcorp); PubMed 26169204 (cited by Labcorp Genetics (formerly Invitae), Labcorp); PubMed 27532257 (cited by Labcorp Genetics (formerly Invitae), Labcorp).

NM_000363.5(TNNI3):c.556C>T (p.Arg186Trp)

Gene: TNNI3 (troponin I3, cardiac type; minus strand). Cytogenetic location: 19q13.42.
Variant type: single nucleotide variant.
Coding change: c.556C>T on transcript NM_000363.5 (MANE Select); coding-DNA position 556, C replaced by T.
Protein change: p.Arg186Trp; replaces arginine 186 with tryptophan.
Molecular consequence: missense variant.
Genome position (GRCh38, 1-based): chr19:55,151,911, G>A on the plus strand (C>T on the coding strand, the complement: TNNI3 is on the minus strand). VCF-style: chr19-55151911-G-A. GRCh37 (hg19) VCF-style: chr19-55663279-G-A.
Other names: c.556C>T (LRG_432t1); short protein forms R186W.
Identifiers: ClinVar variation 546467 (VCV000546467.26), dbSNP rs760978512, ClinGen allele CA051839.